The following is an entry in ClinVar:

ClinVar aggregate classification (germline): Uncertain significance (1 of 4 stars; one submission).

Submission:

GeneDx
Classification: Uncertain significance. Last evaluated: 2024-03-05. Review status: criteria provided, single submitter. Criteria: GeneDx Variant Classification Process June 2021. Collection method: clinical testing. Allele origin: germline. Affected: yes.
Comment: Not observed at significant frequency in large population cohorts (gnomAD); In silico analysis supports that this missense variant has a deleterious effect on protein structure/function; Has not been previously published as pathogenic or benign to our knowledge

NM_001170629.2(CHD8):c.5576G>T (p.Arg1859Leu)

Gene: CHD8 (chromodomain helicase DNA binding protein 8; minus strand). Cytogenetic location: 14q11.2.
Variant type: single nucleotide variant.
Coding change: c.5576G>T on transcript NM_001170629.2 (MANE Select); coding-DNA position 5576, G replaced by T.
Protein change: p.Arg1859Leu; replaces arginine 1859 with leucine.
Molecular consequence: missense variant.
Genome position (GRCh38, 1-based): chr14:21,394,300, C>A on the plus strand (G>T on the coding strand, the complement: CHD8 is on the minus strand). VCF-style: chr14-21394300-C-A. GRCh37 (hg19) VCF-style: chr14-21862459-C-A.
Other names: c.4739G>T, p.Arg1580Leu (NM_020920.4); short protein forms R1580L, R1859L.
Identifiers: ClinVar variation 3370532 (VCV003370532.1).
Genomic context (GRCh38, chr14:21,394,300, plus strand): 5'-TGGCATCCATCCTCACCCACTCTGCAATCTTGCTTACCATCTCCAGCTGCTGGGGGAAGG[C>A]GGCATACTTGGCGGCACATGGCCACAAAGCCATGGAAGTACTTGGTAAGGCTTTCATCTG-3'
Protein context (NP_001164100.1, residues 1849-1869): GFVAMCRQVC[Arg1859Leu]LPPAAGDEPP